The following is an entry in ClinVar:

ClinVar aggregate classification (germline): Uncertain significance. Review status: criteria provided, multiple submitters, no conflicts (2 of 4 stars). 2 submissions from 2 submitters: Uncertain significance (2). Last evaluated 2025-09-21.

Allele frequency attached by ClinVar (database versions not stated): gnomAD 0.00001; TOPMed 0.00002.
gnomAD v4.1: 28 of 1,574,562 alleles (0.0018%); highest among the groups gnomAD compares: Admixed American, 0.0057%; no homozygotes.

Submissions (2):

Labcorp Genetics (formerly Invitae), Labcorp
Classification: Uncertain significance. Last evaluated: 2025-09-21. Review status: criteria provided, single submitter. Criteria: Invitae Variant Classification Sherloc (09022015). Collection method: clinical testing. Allele origin: germline.
Comment: This sequence change replaces arginine, which is basic and polar, with cysteine, which is neutral and slightly polar, at codon 1746 of the MYH7B protein (p.Arg1746Cys). This variant is present in population databases (rs528383184, gnomAD 0.008%). This variant has not been reported in the literature in individuals affected with MYH7B-related conditions. ClinVar contains an entry for this variant (Variation ID: 3158600). Invitae Evidence Modeling of protein sequence and biophysical properties (such as structural, functional, and spatial information, amino acid conservation, physicochemical variation, residue mobility, and thermodynamic stability) indicates that this missense variant is expected to disrupt MYH7B protein function with a positive predictive value of 80%. In summary, the available evidence is currently insufficient to determine the role of this variant in disease. Therefore, it has been classified as a Variant of Uncertain Significance.

Ambry Genetics
Classification: Uncertain significance. Last evaluated: 2023-12-27. Review status: criteria provided, single submitter. Criteria: Ambry Variant Classification Scheme 2023. Collection method: clinical testing. Allele origin: germline.

NM_020884.7(MYH7B):c.5110C>T (p.Arg1704Cys)

Gene: MYH7B (myosin heavy chain 7B; plus strand). Cytogenetic location: 20q11.22.
Variant type: single nucleotide variant.
Coding change: c.5110C>T on transcript NM_020884.7 (MANE Select); coding-DNA position 5110, C replaced by T.
Protein change: p.Arg1704Cys; replaces arginine 1704 with cysteine.
Molecular consequence: missense variant.
Genome position (GRCh38, 1-based): chr20:35,000,621, C>T. VCF-style: chr20-35000621-C-T. GRCh37 (hg19) VCF-style: chr20-33588424-C-T.
Other names: short protein forms R1704C.
Identifiers: ClinVar variation 3158600 (VCV003158600.2), dbSNP rs528383184, ClinGen allele CA313488135.